The following is an entry in ClinVar:

ClinVar aggregate classification (germline): Pathogenic. Review status: criteria provided, multiple submitters, no conflicts (2 of 4 stars). 3 submissions from 3 submitters: Pathogenic (3). Last evaluated 2024-06-15.

Conditions:
Autosomal recessive Alport syndrome (ATS2). Also called: COL4A4 Alport Syndrome and Thin Basement Membrane Nephropathy; ALPORT SYNDROME 2, AUTOSOMAL RECESSIVE; Alport syndrome type 2; COL4A3-Related Nephropathy. Identifiers: Orphanet 63, Orphanet 88919, MedGen C4746745, MONDO:0008762, OMIM 203780.
Hematuria, benign familial, 1 (BFH1). Also called: THIN MEMBRANE NEPHROPATHY. Identifiers: MedGen CN376803, MONDO:0007709, OMIM 141200.
Benign familial hematuria. Also called: thin basement membrane disease. Identifiers: MedGen C0241908, MONDO:0957317.

Allele frequency attached by ClinVar (database versions not stated): TOPMed below 0.00001.
gnomAD v4.1: 1 of 1,613,288 alleles (0.000062%); no homozygotes.

Submissions (3):

Fulgent Genetics
Classification: Pathogenic for Hematuria, benign familial, 1; Autosomal recessive Alport syndrome. Last evaluated: 2024-06-15. Review status: criteria provided, single submitter. Criteria: ACMG Guidelines, 2015. Collection method: clinical testing. Allele origin: germline.

Labcorp Genetics (formerly Invitae), Labcorp
Classification: Pathogenic. Last evaluated: 2023-06-07. Review status: criteria provided, single submitter. Criteria: Invitae Variant Classification Sherloc (09022015). Collection method: clinical testing. Allele origin: germline.
Comment: For these reasons, this variant has been classified as Pathogenic. Algorithms developed to predict the effect of sequence changes on RNA splicing suggest that this variant may disrupt the consensus splice site. This sequence change affects a donor splice site in intron 2 of the COL4A4 gene. It is expected to disrupt RNA splicing. Variants that disrupt the donor or acceptor splice site typically lead to a loss of protein function (PMID: 16199547), and loss-of-function variants in COL4A4 are known to be pathogenic (PMID: 21196518, 24854265, 25307543). This variant is not present in population databases (gnomAD no frequency). Disruption of this splice site has been observed in individuals with clinical features of Alport syndrome (PMID: 25307543, 30295827; Invitae). ClinVar contains an entry for this variant (Variation ID: 627584).

Center of Genomic medicine, Geneva, University Hospital of Geneva
Classification: Pathogenic for Hematuria, benign familial, 1. Last evaluated: 2018-10-03. Review status: criteria provided, single submitter. Criteria: ACMG Guidelines, 2015. Collection method: clinical testing. Allele origin: paternal. Affected: yes.

Literature cited by the submitters: PubMed 16199547 (cited by Labcorp Genetics (formerly Invitae), Labcorp); PubMed 21196518 (cited by Labcorp Genetics (formerly Invitae), Labcorp); PubMed 24854265 (cited by Labcorp Genetics (formerly Invitae), Labcorp); PubMed 25307543 (cited by Labcorp Genetics (formerly Invitae), Labcorp); PubMed 30295827 (cited by Labcorp Genetics (formerly Invitae), Labcorp).

NM_000092.5(COL4A4):c.71+1G>A

Gene: COL4A4 (collagen type IV alpha 4 chain; minus strand). Cytogenetic location: 2q36.3.
Variant type: single nucleotide variant.
Coding change: c.71+1G>A on transcript NM_000092.5 (MANE Select); the canonical splice donor site of the intron after coding-DNA position 71, G replaced by A.
Molecular consequence: splice donor variant.
Genome position (GRCh38, 1-based): chr2:227,147,412, C>T on the plus strand (G>A on the coding strand, the complement: COL4A4 is on the minus strand). VCF-style: chr2-227147412-C-T. GRCh37 (hg19) VCF-style: chr2-228012128-C-T.
Identifiers: ClinVar variation 627584 (VCV000627584.8), dbSNP rs1559742015, ClinGen allele CA350842743.
Genomic context (GRCh38, chr2:227,147,412, plus strand): 5'-AGAACAAACATTGAGTAGAAATTACTAAATAAAAGCAGGCAATCACACTGAGGATACTCA[C>T]CAGGGACCTGTGGCCAAGGACTTGGTCAATCTGAAGGAGCACCTCATTAGTACTATGTGC-3'